The following is an entry in ClinVar:

NM_002471.4(MYH6):c.5782G>A (p.Asp1928Asn)

Gene: MYH6 (myosin heavy chain 6; minus strand). Cytogenetic location: 14q11.2.
Variant type: single nucleotide variant.
Coding change: c.5782G>A on transcript NM_002471.4 (MANE Select); coding-DNA position 5782, G replaced by A.
Protein change: p.Asp1928Asn; replaces aspartic acid 1928 with asparagine.
Molecular consequence: missense variant.
Genome position (GRCh38, 1-based): chr14:23,382,442, C>T on the plus strand (G>A on the coding strand, the complement: MYH6 is on the minus strand). VCF-style: chr14-23382442-C-T. GRCh37 (hg19) VCF-style: chr14-23851651-C-T.
Other names: short protein forms D1928N.
Identifiers: ClinVar variation 2159574 (VCV002159574.5), dbSNP rs2502129626, ClinGen allele CA388981163.

ClinVar aggregate classification (germline): Uncertain significance. Review status: criteria provided, multiple submitters, no conflicts (2 of 4 stars). 2 submissions from 2 submitters: Uncertain significance (2). Last evaluated 2025-03-10.

Conditions:
Cardiovascular phenotype. Identifiers: MedGen CN230736.
Hypertrophic cardiomyopathy 14. Identifiers: MedGen C2750467, MONDO:0013197, OMIM 613251.

Allele frequency attached by ClinVar (database versions not stated): gnomAD exomes below 0.00001.
gnomAD v4.1: 1 of 1,614,176 alleles (0.000062%); highest among the groups gnomAD compares: Non-Finnish European, 0.000085%; no homozygotes.

Submissions (2):

Ambry Genetics
Classification: Uncertain significance for Cardiovascular phenotype. Last evaluated: 2025-03-10. Review status: criteria provided, single submitter. Criteria: Ambry Variant Classification Scheme 2023. Collection method: clinical testing. Allele origin: germline.

Labcorp Genetics (formerly Invitae), Labcorp
Classification: Uncertain significance for Hypertrophic cardiomyopathy 14. Last evaluated: 2022-08-18. Review status: criteria provided, single submitter. Criteria: Invitae Variant Classification Sherloc (09022015). Collection method: clinical testing. Allele origin: germline.
Comment: In summary, the available evidence is currently insufficient to determine the role of this variant in disease. Therefore, it has been classified as a Variant of Uncertain Significance. Algorithms developed to predict the effect of missense changes on protein structure and function are either unavailable or do not agree on the potential impact of this missense change (SIFT: "Tolerated"; PolyPhen-2: "Probably Damaging"; Align-GVGD: "Class C0"). This variant has not been reported in the literature in individuals affected with MYH6-related conditions. This variant is not present in population databases (gnomAD no frequency). This sequence change replaces aspartic acid, which is acidic and polar, with asparagine, which is neutral and polar, at codon 1928 of the MYH6 protein (p.Asp1928Asn).